The following continues an entry in ClinVar:

NM_000218.3(KCNQ1):c.502G>A (p.Gly168Arg)

Gene: KCNQ1. ClinVar aggregate classification (germline): Pathogenic. Pathogenic (14).

Submissions 7 to 16 of 16:

Color Diagnostics, LLC DBA Color Health
Classification: Pathogenic for Cardiac arrhythmia. Last evaluated: 2024-05-03. Review status: criteria provided, single submitter. Criteria: ACMG Guidelines, 2015. Collection method: clinical testing. Allele origin: germline.
Comment: This missense variant replaces glycine with arginine at codon 168 of the KCNQ1 protein. This variant is found within the highly conserved transmembrane domain S2 (a.a. 148-168). Rare non-truncating variants in this region have been shown to be significantly overrepresented in individuals with long QT syndrome (PMID: 32893267). Functional studies have shown that this variant changes potassium channel current (PMID: 21451124, 22456477). This variant has been reported in multiple individuals affected with long QT syndrome (PMID: 19490272, 19716085, 26318259, 26681611, 27921062, 28794082, 29952348, 14531214, 20186784). It has been shown that this variant segregates with long QT syndrome in numerous individuals from multiple families (PMID: 14531214, 20186784, 21451124, 26318259). This variant has also been reported in the homozygous state in a few individuals affected with Jervell and Lange-Nielsen syndrome (PMID: 17091796, 27041150, 27485560). This variant has been identified in 3/249646 chromosomes in the general population by the Genome Aggregation Database (gnomAD). Based on available evidence, this variant is classified as Pathogenic.

Pittsburgh Clinical Genomics Laboratory, University of Pittsburgh Medical Center
Classification: Pathogenic for Long QT syndrome 1. Last evaluated: 2024-02-19. Review status: criteria provided, single submitter. Criteria: ACMG Guidelines, 2015. Collection method: clinical testing. Allele origin: germline. Inheritance: Autosomal unknown. Affected: yes.
Comment: This sequence variant is a single nucleotide substitution (G>A) at position 502 of the coding sequence of the KCNQ1 gene that results in a glycine to arginine amino acid change at residue 168 of the potassium voltage-gated channel subfamily Q member 1 protein. The 168 residue falls in the second transmembrane domain (PMID: 21451124). This is a previously reported variant (ClinVar 53052) that has been observed in numerous individuals affected by Long QT syndrome (PMID: 23130128, 27485560, 29952348, 35492848, 35492848, 35492848). In addition, this variant was found to co-segregate with Long QT syndrome in multiple families spanning multiple generations (PMID: 33256261). This variant is present in 5 of 401826 alleles (0.0012%) in the gnomAD population dataset. Multiple bioinformatic tools predict that this amino acid change would be damaging, and the Gly168 residue at this position is highly conserved across the vertebrate species examined. When expressed in HEK239T cells, this variant significantly disrupts channel function (PMID: 21451124). Based upon the evidence, we consider this variant to be pathogenic. ACMG Criteria: PM2, PP1, PP3, PS3, PS4

Institute of Medical Genetics and Applied Genomics, University Hospital Tübingen
Classification: Pathogenic for Familial long QT syndrome. Last evaluated: 2023-10-02. Review status: criteria provided, single submitter. Criteria: ACMG Guidelines, 2015. Collection method: clinical testing. Allele origin: germline. Inheritance: Autosomal dominant inheritance. Affected: yes.

Women's Health and Genetics/Laboratory Corporation of America, LabCorp
Classification: Pathogenic for Long QT syndrome. Last evaluated: 2020-09-08. Review status: criteria provided, single submitter. Criteria: LabCorp Variant Classification Summary - May 2015. Collection method: clinical testing. Allele origin: germline.
Comment: Variant summary: KCNQ1 c.502G>A (p.Gly168Arg) results in a non-conservative amino acid change located in the Ion transport domain (IPR005821) of the encoded protein sequence. Five of five in-silico tools predict a damaging effect of the variant on protein function. The variant allele was found at a frequency of 1.2e-05 in 252834 control chromosomes. c.502G>A has been reported in the literature in multiple individuals affected with Long QT Syndrome (e.g. Splawski_1998, Beery_2003, Chung_2007, Summers_2010, Giudicessi_2012), including multi-generational families in which the variant segregated with disease. These data indicate that the variant is very likely to be associated with disease. Several publications report experimental evidence indicating that the variant alters potassium channel activity (e.g. Barsheshet_2012, Jons_2011). Four other clinical diagnostic laboratories have submitted clinical-significance assessments for this variant to ClinVar after 2014 without evidence for independent evaluation. All laboratories cited the variant as pathogenic. Based on the evidence outlined above, the variant was classified as pathogenic.

GeneDx
Classification: Pathogenic. Last evaluated: 2020-02-07. Review status: criteria provided, single submitter. Criteria: GeneDx Variant Classification Process June 2021. Collection method: clinical testing. Allele origin: germline. Affected: yes.
Comment: Observed in multiple unrelated individuals with LQTS referred for genetic testing at GeneDx and in the published literature (for examples, see Splawski et al., 1998; Jongbloed et al., 2002; Kapplinger et al., 2009; Yoshinaga et al., 2018); Not observed at a significant frequency in large population cohorts (gnomAD); In silico analysis supports that this missense variant has a deleterious effect on protein structure/function; Published functional studies demonstrate G168R (nucleotide change not specified) impairs potassium ion channel function (Westenskow et al., 2004; Jons et al., 2011; Barshesshet et al, 2012); Reported in ClinVar as a pathogenic variant (ClinVar Variant ID# 53052; ClinVar); This variant is associated with the following publications: (PMID: 14678125, 26318259, 10973849, 25479336, 14531214, 12402336, 15840476, 17905336, 19716085, 24103226, 26681611, 19490272, 23995044, 21185501, 20186784, 17091796, 24667783, 27485560, 27041150, 12566525, 29952348, 17470695, 23130128, 22949429, 9693036, 19841300, 23124029, 29330128, 15051636, 22456477, 21451124, 31737537, 34319147, 33256261, 32665702, 34135346, 33087929)

Stanford Center for Inherited Cardiovascular Disease, Stanford University
Classification: Pathogenic. Last evaluated: 2013-11-13. Review status: criteria provided, single submitter. Criteria: ACMG Guidelines, 2015. Collection method: provider interpretation. Allele origin: germline.

Institute of Medical Genetics and Genomics, Sir Ganga Ram Hospital
Classification: Pathogenic for Long QT syndrome, LQT1 subtype. Last evaluated: 2013-01-01. Review status: criteria provided, single submitter. Criteria: Vyas et al. (Am J Med Genet A. 2016). Collection method: research. Allele origin: germline. Affected: yes. Observed: 1 variant allele. Study: Life Threatening Long QT Syndromes.

Juno Genomics, Hangzhou Juno Genomics, Inc
Classification: Pathogenic for Long QT syndrome 1; Atrial fibrillation, familial, 3; Jervell and Lange-Nielsen syndrome 1; Short QT syndrome type 2. Review status: criteria provided, single submitter. Criteria: ACMG Guidelines, 2015. Collection method: clinical testing. Allele origin: germline.
Comment: Same amino acid change as a previously established pathogenic variant regardless of nucleotide change.;Multiple lines of computational evidence support a deleterious effect on the gene or gene product.;Absent from controls (or at extremely low frequency if recessive) in Genome Aggregation Database.;The prevalence of the variant in affected individuals is significantly increased compared to the prevalence in controls.

Cardiovascular Biomedical Research Unit, Royal Brompton & Harefield NHS Foundation Trust
No classification provided. Condition: Familial long QT syndrome. Review status: no classification provided. Collection method: literature only. Allele origin: germline. Not counted in ClinVar's aggregate classification.
Comment: This variant has been reported as associated with Long QT syndrome in the following publications (PMID:20186784;PMID:9693036;PMID:12402336;PMID:10973849;PMID:19716085;PMID:15051636;PMID:17905336;PMID:15840476;PMID:14678125;PMID:12566525;PMID:19841300;PMID:9386136). This is a literature report, and does not necessarily reflect the clinical interpretation of the Imperial College / Royal Brompton Cardiovascular Genetics laboratory.

Genetics and Genomics Program, Sidra Medicine
Classification: Likely pathogenic for Isolated congenital long QT syndrome. Review status: no assertion criteria provided. Collection method: research. Allele origin: unknown. Affected: yes. Not counted in ClinVar's aggregate classification.
Comment: The c.502G>A missense variant in KCNQ1 is reported in ClinVar as pathogenic (SCV000064963) and is absent from gnomAD, indicating rarity (PM2). In silico predictions support its deleterious effect, with PolyPhen predicting it as probably damaging and SIFT as deleterious (PP3). Despite some conflicting evidence (BP1), the overall data supports a likely pathogenic classification (ACMG codes: PM1, PM2, PP3, PP5, BP1).

Literature cited by the submitters: PubMed 19632626 (cited by Victorian Clinical Genetics Services, Murdoch Childrens Research Institute); PubMed 15051636 (cited by 3 submitters); PubMed 28438721 (cited by Victorian Clinical Genetics Services, Murdoch Childrens Research Institute); PubMed 27041150 (cited by 3 submitters); PubMed 9693036 (cited by 6 submitters); PubMed 20301308 (cited by Victorian Clinical Genetics Services, Murdoch Childrens Research Institute); PubMed 19716085 (cited by 5 submitters); PubMed 10973849 (cited by 3 submitters); PubMed 17905336 (cited by 3 submitters); PubMed 19841300 (cited by Labcorp Genetics (formerly Invitae), Labcorp and Cardiovascular Biomedical Research Unit, Royal Brompton & Harefield NHS Foundation Trust); PubMed 23130128 (cited by Labcorp Genetics (formerly Invitae), Labcorp and Pittsburgh Clinical Genomics Laboratory, University of Pittsburgh Medical Center); PubMed 19490272 (cited by 3 submitters); PubMed 17091796 (cited by 3 submitters); PubMed 20186784 (cited by 5 submitters); PubMed 22949429 (cited by Ambry Genetics and Women's Health and Genetics/Laboratory Corporation of America, LabCorp); PubMed 29952348 (cited by 4 submitters); PubMed 31484877 (cited by Ambry Genetics); PubMed 33256261 (cited by Ambry Genetics and Pittsburgh Clinical Genomics Laboratory, University of Pittsburgh Medical Center); PubMed 9386136 (cited by Ambry Genetics and Cardiovascular Biomedical Research Unit, Royal Brompton & Harefield NHS Foundation Trust); PubMed 14531214 (cited by 4 submitters); PubMed 21451124 (cited by 4 submitters); PubMed 22456477 (cited by 3 submitters); PubMed 26318259 (cited by All of Us Research Program, National Institutes of Health and Color Diagnostics, LLC DBA Color Health); PubMed 26681611 (cited by All of Us Research Program, National Institutes of Health and Color Diagnostics, LLC DBA Color Health); PubMed 27485560 (cited by 3 submitters); PubMed 27921062 (cited by All of Us Research Program, National Institutes of Health and Color Diagnostics, LLC DBA Color Health); PubMed 28794082 (cited by All of Us Research Program, National Institutes of Health and Color Diagnostics, LLC DBA Color Health); PubMed 32893267 (cited by Color Diagnostics, LLC DBA Color Health); PubMed 35492848 (cited by Pittsburgh Clinical Genomics Laboratory, University of Pittsburgh Medical Center); PubMed 12402336 (cited by Cardiovascular Biomedical Research Unit, Royal Brompton & Harefield NHS Foundation Trust); PubMed 15840476 (cited by Cardiovascular Biomedical Research Unit, Royal Brompton & Harefield NHS Foundation Trust); PubMed 14678125 (cited by Cardiovascular Biomedical Research Unit, Royal Brompton & Harefield NHS Foundation Trust); PubMed 12566525 (cited by Cardiovascular Biomedical Research Unit, Royal Brompton & Harefield NHS Foundation Trust); PubMed 22581653 (cited by Cardiovascular Biomedical Research Unit, Royal Brompton & Harefield NHS Foundation Trust).